The following is an entry in ClinVar:

ClinVar aggregate classification (germline): Benign (1 of 4 stars; one submission).

Allele frequency attached by ClinVar (database versions not stated): 1000 Genomes Project 30x 0.52171; 1000 Genomes Project 0.52796; TOPMed 0.60790; gnomAD 0.63052 and 0.63666.
gnomAD v4.1: 96,105 of 152,198 alleles (63%); highest among the groups gnomAD compares: Non-Finnish European, 74%; 31,685 homozygotes.

Submission:

GeneDx
Classification: Benign. Last evaluated: 2018-06-14. Review status: criteria provided, single submitter. Criteria: GeneDx Variant Classification (06012015). Collection method: clinical testing. Allele origin: germline. Affected: yes.
Comment: This variant is considered likely benign or benign based on one or more of the following criteria: it is a conservative change, it occurs at a poorly conserved position in the protein, it is predicted to be benign by multiple in silico algorithms, and/or has population frequency not consistent with disease.

NM_001069.3(TUBB2A):c.57+287G>C

Gene: TUBB2A (tubulin beta 2A class IIa; minus strand). Cytogenetic location: 6p25.2.
Variant type: single nucleotide variant.
Coding change: c.57+287G>C on transcript NM_001069.3 (MANE Select); 287 bases into the intron after coding-DNA position 57, G replaced by C.
Molecular consequence: intron variant.
Genome position (GRCh38, 1-based): chr6:3,157,120, C>G on the plus strand (G>C on the coding strand, the complement: TUBB2A is on the minus strand). VCF-style: chr6-3157120-C-G. GRCh37 (hg19) VCF-style: chr6-3157354-C-G.
Other names: c.-331+287G>C (NM_001310315.2).
Identifiers: ClinVar variation 680824 (VCV000680824.1), dbSNP rs909961, ClinGen allele CA12222095.